The following is an entry in ClinVar:

ClinVar aggregate classification (germline): Conflicting classifications of pathogenicity. Review status: criteria provided, conflicting classifications (1 of 4 stars). 3 submissions from 3 submitters: Uncertain significance (1); Likely benign (2). Last evaluated 2026-01-25.

Conditions:
Primary ciliary dyskinesia. Also called: Ciliary dyskinesia. Identifiers: Orphanet 244, MedGen C0008780, MONDO:0016575, HP:0012265.
Orofaciodigital syndrome I (OFD1). Also called: Oral-Facial-Digital Syndrome Type I; Papillon-Leage and Psaume Syndrome; OFDS I. Identifiers: Orphanet 2750, MedGen C1510460, MONDO:0010702, OMIM 311200.
Joubert syndrome. Also called: Familial aplasia of the vermis; JOUBERT-BOLTSHAUSER SYNDROME. Identifiers: Orphanet 475, MedGen C5979921, MONDO:0018772.

Allele frequency attached by ClinVar (database versions not stated): gnomAD exomes 0.00003 and 0.00012; ExAC 0.00005; gnomAD 0.00006 and 0.00007; TOPMed 0.00006; ESP Exome Variant Server 0.00019.
gnomAD v4.1: 141 of 1,191,835 alleles (0.012%); highest among the groups gnomAD compares: Non-Finnish European, 0.015%; no homozygotes.

Submissions (3):

Labcorp Genetics (formerly Invitae), Labcorp
Classification: Likely benign for Orofaciodigital syndrome I; Joubert syndrome. Last evaluated: 2026-01-25. Review status: criteria provided, single submitter. Criteria: Invitae Variant Classification Sherloc (09022015). Collection method: clinical testing. Allele origin: germline.

Blueprint Genetics
Classification: Likely benign. Last evaluated: 2023-04-17. Review status: criteria provided, single submitter. Criteria: ACMG Guidelines, 2015. Collection method: clinical testing. Allele origin: germline.

Ambry Genetics
Classification: Uncertain significance for Primary ciliary dyskinesia. Last evaluated: 2017-03-09. Review status: criteria provided, single submitter. Criteria: Ambry Variant Classification Scheme 2023. Collection method: clinical testing. Allele origin: germline.
Comment: The p.P119T variant (also known as c.355C>A), located in coding exon 4 of the OFD1 gene, results from a C to A substitution at nucleotide position 355. The proline at codon 119 is replaced by threonine, an amino acid with highly similar properties. This amino acid position is highly conserved in available vertebrate species. In addition, this alteration is predicted to be deleterious by in silico analysis. Since supporting evidence is limited at this time, the clinical significance of this alteration remains unclear.

NM_003611.3(OFD1):c.355C>A (p.Pro119Thr)

Gene: OFD1 (OFD1 centriole and centriolar satellite protein; plus strand). Cytogenetic location: Xp22.2.
Variant type: single nucleotide variant.
Coding change: c.355C>A on transcript NM_003611.3 (MANE Select); coding-DNA position 355, C replaced by A.
Protein change: p.Pro119Thr; replaces proline 119 with threonine.
Molecular consequence: missense variant. On other transcripts: 5 prime UTR variant (1).
Genome position (GRCh38, 1-based): chrX:13,738,888, C>A. VCF-style: chrX-13738888-C-A. GRCh37 (hg19) VCF-style: chrX-13757007-C-A.
Other names: c.355C>A, p.Pro119Thr (NM_001330209.2); c.-191C>A (NM_001330210.2); short protein forms P119T.
Identifiers: ClinVar variation 219659 (VCV000219659.11), dbSNP rs202103941, ClinGen allele CA349854.